The following is an entry in ClinVar:

NM_001148.6(ANK2):c.3301A>G (p.Asn1101Asp)

Gene: ANK2 (ankyrin 2; plus strand). Cytogenetic location: 4q26.
Variant type: single nucleotide variant.
Coding change: c.3301A>G on transcript NM_001148.6 (MANE Select); coding-DNA position 3301, A replaced by G.
Protein change: p.Asn1101Asp; replaces asparagine 1101 with aspartic acid.
Molecular consequence: missense variant.
Genome position (GRCh38, 1-based): chr4:113,333,130, A>G. VCF-style: chr4-113333130-A-G. GRCh37 (hg19) VCF-style: chr4-114254286-A-G.
Other names: c.3274A>G, p.Asn1092Asp (NM_001127493.3); c.3313A>G, p.Asn1105Asp (NM_001354225.2); c.3202A>G, p.Asn1068Asp (NM_001354228.2, NM_001354258.2); c.3280A>G, p.Asn1094Asp (NM_001354230.2); c.3343A>G, p.Asn1115Asp (NM_001354231.2, NM_001354242.2); c.3337A>G, p.Asn1113Asp (NM_001354232.2); c.3298A>G, p.Asn1100Asp (NM_001354235.2, NM_001354246.2, NM_001354265.2); c.3199A>G, p.Asn1067Asp (NM_001354236.2); and 28 more; short protein forms N1001D, N1006D, N1014D, N1026D, N1030D, N1034D, N1035D, N1039D.
Identifiers: ClinVar variation 3368060 (VCV003368060.1).

ClinVar aggregate classification (germline): Uncertain significance (1 of 4 stars; one submission).

gnomAD v4.1: 4 of 1,614,052 alleles (0.00025%); highest among the groups gnomAD compares: Admixed American, 0.0017%; no homozygotes.

Submission:

GeneDx
Classification: Uncertain significance. Last evaluated: 2024-01-20. Review status: criteria provided, single submitter. Criteria: GeneDx Variant Classification Process June 2021. Collection method: clinical testing. Allele origin: germline. Affected: yes.
Comment: Not observed at significant frequency in large population cohorts (gnomAD); In silico analysis supports that this missense variant has a deleterious effect on protein structure/function; Has not been previously published as pathogenic or benign to our knowledge